The following is an entry in ClinVar:

NM_007272.3(CTRC):c.466T>C (p.Tyr156His)

Gene: CTRC (chymotrypsin C; plus strand). Cytogenetic location: 1p36.21.
Variant type: single nucleotide variant.
Coding change: c.466T>C on transcript NM_007272.3 (MANE Select); coding-DNA position 466, T replaced by C.
Protein change: p.Tyr156His; replaces tyrosine 156 with histidine.
Molecular consequence: missense variant.
Genome position (GRCh38, 1-based): chr1:15,443,528, T>C. VCF-style: chr1-15443528-T-C. GRCh37 (hg19) VCF-style: chr1-15770023-T-C.
Other names: short protein forms Y156H.
Identifiers: ClinVar variation 1742316 (VCV001742316.2), dbSNP rs1009042402, ClinGen allele CA18252428.

ClinVar aggregate classification (germline): Uncertain significance (1 of 4 stars; one submission).

Conditions:
Hereditary pancreatitis (PCTT). Also called: Hereditary chronic pancreatitis; PRSS1-Related Hereditary Pancreatitis. Identifiers: Orphanet 676, MedGen C0238339, MONDO:0008185, OMIM 167800.

Allele frequency attached by ClinVar (database versions not stated): gnomAD 0.00001; TOPMed 0.00001.

Submission:

Ambry Genetics
Classification: Uncertain significance for Hereditary pancreatitis. Last evaluated: 2024-02-25. Review status: criteria provided, single submitter. Criteria: Ambry Variant Classification Scheme 2023. Collection method: clinical testing. Allele origin: germline.
Comment: The p.Y156H variant (also known as c.466T>C), located in coding exon 5 of the CTRC gene, results from a T to C substitution at nucleotide position 466. The tyrosine at codon 156 is replaced by histidine, an amino acid with similar properties. This amino acid position is conserved. In addition, the in silico prediction for this alteration is inconclusive. Since supporting evidence is limited at this time, the clinical significance of this alteration remains unclear.